The following is an entry in ClinVar:

ClinVar aggregate classification (germline): Uncertain significance (1 of 4 stars; one submission).

Allele frequency attached by ClinVar (database versions not stated): gnomAD exomes 0.00002 and 0.00007; ExAC 0.00003; TOPMed 0.00003; gnomAD 0.00005 and 0.00006.
gnomAD v4.1: 110 of 1,596,192 alleles (0.0069%); highest among the groups gnomAD compares: Non-Finnish European, 0.0092%; no homozygotes.

Submission:

Labcorp Genetics (formerly Invitae), Labcorp
Classification: Uncertain significance. Last evaluated: 2025-08-15. Review status: criteria provided, single submitter. Criteria: Invitae Variant Classification Sherloc (09022015). Collection method: clinical testing. Allele origin: germline.
Comment: This sequence change falls in intron 3 of the LYN gene. It does not directly change the encoded amino acid sequence of the LYN protein. It affects a nucleotide within the consensus splice site. This variant is present in population databases (rs199958251, gnomAD 0.006%). This variant has not been reported in the literature in individuals affected with LYN-related conditions. ClinVar contains an entry for this variant (Variation ID: 1432547). Variants that disrupt the consensus splice site are a relatively common cause of aberrant splicing (PMID: 17576681, 9536098). Algorithms developed to predict the effect of sequence changes on RNA splicing suggest that this variant is not likely to affect RNA splicing. In summary, the available evidence is currently insufficient to determine the role of this variant in disease. Therefore, it has been classified as a Variant of Uncertain Significance.

Literature cited by the submitters: PubMed 17576681; PubMed 9536098.

NM_002350.4(LYN):c.178+4T>C

Gene: LYN (LYN proto-oncogene, Src family tyrosine kinase; plus strand). Cytogenetic location: 8q12.1.
Variant type: single nucleotide variant.
Coding change: c.178+4T>C on transcript NM_002350.4 (MANE Select); 4 bases into the intron after coding-DNA position 178, T replaced by C.
Molecular consequence: intron variant.
Genome position (GRCh38, 1-based): chr8:55,946,497, T>C. VCF-style: chr8-55946497-T-C. GRCh37 (hg19) VCF-style: chr8-56859056-T-C.
Other names: c.115+4T>C (NM_001111097.3).
Identifiers: ClinVar variation 1432547 (VCV001432547.6), dbSNP rs199958251, ClinGen allele CA4753927.